The following is an entry in ClinVar:

ClinVar aggregate classification (germline): Benign. Review status: criteria provided, multiple submitters, no conflicts (2 of 4 stars). 10 submissions from 10 submitters: Benign (7). 3 of the submissions do not count toward it. Last evaluated 2026-02-03.

Conditions:
Neuronopathy, distal hereditary motor, type 2C. Also called: HMN IIC; NEUROPATHY, DISTAL HEREDITARY MOTOR, AUTOSOMAL DOMINANT 4; NEURONOPATHY, DISTAL HEREDITARY MOTOR, HARDING TYPE IIC; NEUROPATHY, DISTAL HEREDITARY MOTOR, HARDING TYPE IIC. Identifiers: Orphanet 139525, MedGen C3150619, MONDO:0013243, OMIM 613376.

Allele frequency attached by ClinVar (database versions not stated): 1000 Genomes Project 0.57788; 1000 Genomes Project 30x 0.57808; gnomAD exomes 0.58478 and 0.60700; ExAC 0.59183; TOPMed 0.62865; gnomAD 0.63826; ESP Exome Variant Server 0.66031.

Submissions (10):

Labcorp Genetics (formerly Invitae), Labcorp
Classification: Benign for Neuronopathy, distal hereditary motor, type 2C. Last evaluated: 2026-02-03. Review status: criteria provided, single submitter. Criteria: Invitae Variant Classification Sherloc (09022015). Collection method: clinical testing. Allele origin: germline.

Genome-Nilou Lab
Classification: Benign for Neuronopathy, distal hereditary motor, type 2C. Last evaluated: 2021-08-10. Review status: criteria provided, single submitter. Criteria: ACMG Guidelines, 2015. Collection method: clinical testing. Allele origin: germline. Affected: no.

Illumina Laboratory Services, Illumina
Classification: Benign for Neuronopathy, distal hereditary motor, type 2C. Last evaluated: 2018-01-13. Review status: criteria provided, single submitter. Criteria: ICSL Variant Classification Criteria 13 December 2019. Collection method: clinical testing. Allele origin: germline.
Comment: This variant was observed in the ICSL laboratory as part of a predisposition screen in an ostensibly healthy population. It had not been previously curated by ICSL or reported in the Human Gene Mutation Database (HGMD: prior to June 1st, 2018), and was therefore a candidate for classification through an automated scoring system. Utilizing variant allele frequency, disease prevalence and penetrance estimates, and inheritance mode, an automated score was calculated to assess if this variant is too frequent to cause the disease. Based on the score and internal cut-off values, a variant classified as benign is not then subjected to further curation. The score for this variant resulted in a classification of benign for this disease.

Athena Diagnostics
Classification: Benign. Last evaluated: 2017-11-16. Review status: criteria provided, single submitter. Criteria: Athena Diagnostics Criteria. Collection method: clinical testing. Allele origin: germline.

Mayo Clinic Laboratories, Mayo Clinic
Classification: Benign. Last evaluated: 2015-08-26. Review status: criteria provided, single submitter. Criteria: ACMG Guidelines, 2015. Collection method: clinical testing. Allele origin: germline. Observed: 557 variant alleles.

GeneDx
Classification: Benign. Last evaluated: 2015-03-03. Review status: criteria provided, single submitter. Criteria: GeneDx Variant Classification Process June 2021. Collection method: clinical testing. Allele origin: germline. Affected: yes.

Breakthrough Genomics
Classification: Benign. Review status: criteria provided, single submitter. Criteria: ACMG Guidelines, 2015. Collection method: not provided. Allele origin: germline. Inheritance: Autosomal dominant inheritance. Affected: yes.

Clinical Genetics, Academic Medical Center
Classification: Benign. Review status: no assertion criteria provided. Collection method: clinical testing. Allele origin: germline. Affected: yes. Study: VKGL Data-share Consensus. Not counted in ClinVar's aggregate classification.

Diagnostic Laboratory, Department of Genetics, University Medical Center Groningen
Classification: Benign for Neuronopathy, distal hereditary motor, type 2C. Review status: no assertion criteria provided. Collection method: clinical testing. Allele origin: germline. Affected: yes. Study: VKGL Data-share Consensus. Not counted in ClinVar's aggregate classification.

Joint Genome Diagnostic Labs from Nijmegen and Maastricht, Radboudumc and MUMC+
Classification: Benign. Review status: no assertion criteria provided. Collection method: clinical testing. Allele origin: germline. Affected: yes. Study: VKGL Data-share Consensus. Not counted in ClinVar's aggregate classification.

NM_006308.3(HSPB3):c.369T>C (p.Gly123=)

Gene: HSPB3 (heat shock protein family B (small) member 3; plus strand). Cytogenetic location: 5q11.2.
Variant type: single nucleotide variant.
Coding change: c.369T>C on transcript NM_006308.3 (MANE Select); coding-DNA position 369, T replaced by C.
Protein change: p.Gly123=; no amino-acid change (glycine 123 retained).
Molecular consequence: synonymous variant.
Genome position (GRCh38, 1-based): chr5:54,456,158, T>C. VCF-style: chr5-54456158-T-C. GRCh37 (hg19) VCF-style: chr5-53751988-T-C.
Other names: p.Gly123=.
Identifiers: ClinVar variation 353903 (VCV000353903.21), dbSNP rs7823, ClinGen allele CA3264679.